The following is an entry in ClinVar:

ClinVar aggregate classification (germline): Likely benign. Review status: criteria provided, multiple submitters, no conflicts (2 of 4 stars). 2 submissions from 2 submitters: Likely benign (2). Last evaluated 2026-06-01.

Submissions (2):

CeGaT Center for Human Genetics Tuebingen
Classification: Likely benign. Last evaluated: 2026-06-01. Review status: criteria provided, single submitter. Criteria: CeGaT Center For Human Genetics Tuebingen Variant Classification Criteria Version 2. Collection method: clinical testing. Allele origin: germline. Affected: yes. Observed: 1 variant allele.
Comment: DUOX2: BP4, BP7

Labcorp Genetics (formerly Invitae), Labcorp
Classification: Likely benign. Last evaluated: 2023-05-19. Review status: criteria provided, single submitter. Criteria: Invitae Variant Classification Sherloc (09022015). Collection method: clinical testing. Allele origin: germline.

NM_001363711.2(DUOX2):c.978G>A (p.Pro326=)

Gene: DUOX2 (dual oxidase 2; minus strand). Cytogenetic location: 15q21.1.
Variant type: single nucleotide variant.
Coding change: c.978G>A on transcript NM_001363711.2 (MANE Select); coding-DNA position 978, G replaced by A.
Protein change: p.Pro326=; no amino-acid change (proline 326 retained).
Molecular consequence: synonymous variant.
Genome position (GRCh38, 1-based): chr15:45,110,490, C>T on the plus strand (G>A on the coding strand, the complement: DUOX2 is on the minus strand). VCF-style: chr15-45110490-C-T. GRCh37 (hg19) VCF-style: chr15-45402688-C-T.
Other names: c.978G>A, p.Pro326= (NM_014080.5).
Identifiers: ClinVar variation 2844446 (VCV002844446.5), dbSNP rs370110153, ClinGen allele CA270132935.